The following is an entry in ClinVar:

NM_015100.4(POGZ):c.3008T>C (p.Ile1003Thr)

Gene: POGZ (pogo transposable element derived with ZNF domain; minus strand). Cytogenetic location: 1q21.3.
Variant type: single nucleotide variant.
Coding change: c.3008T>C on transcript NM_015100.4 (MANE Select); coding-DNA position 3008, T replaced by C.
Protein change: p.Ile1003Thr; replaces isoleucine 1003 with threonine.
Molecular consequence: missense variant.
Genome position (GRCh38, 1-based): chr1:151,406,027, A>G on the plus strand (T>C on the coding strand, the complement: POGZ is on the minus strand). VCF-style: chr1-151406027-A-G. GRCh37 (hg19) VCF-style: chr1-151378503-A-G.
Other names: c.2981T>C, p.Ile994Thr (NM_001194937.2); c.2822T>C, p.Ile941Thr (NM_001194938.2); c.3029T>C, p.Ile1010Thr (NM_001410860.1); c.2723T>C, p.Ile908Thr (NM_145796.4); c.2849T>C, p.Ile950Thr (NM_207171.2); short protein forms I1003T, I1010T, I908T, I941T, I950T, I994T.
Identifiers: ClinVar variation 2577804 (VCV002577804.1), dbSNP rs1653525283, ClinGen allele CA341946773.

ClinVar aggregate classification (germline): Uncertain significance (1 of 4 stars; one submission).

Allele frequency attached by ClinVar (database versions not stated): TOPMed below 0.00001.

Submission:

GeneDx
Classification: Uncertain significance. Last evaluated: 2023-02-25. Review status: criteria provided, single submitter. Criteria: GeneDx Variant Classification Process June 2021. Collection method: clinical testing. Allele origin: germline. Affected: yes.
Comment: Not observed at significant frequency in large population cohorts (gnomAD); In silico analysis supports that this missense variant does not alter protein structure/function; Has not been previously published as pathogenic or benign to our knowledge